The following is an entry in ClinVar:

ClinVar aggregate classification (germline): Likely benign (0 of 4 stars; one submission).

Conditions:
IRF2BPL-related disorder. Also called: IRF2BPL-related condition. Identifiers: MedGen CN381093.

Allele frequency attached by ClinVar (database versions not stated): TOPMed 0.00002; gnomAD 0.00003; ExAC 0.00037.

Submission:

PreventionGenetics, part of Exact Sciences
Classification: Likely benign for IRF2BPL-related condition. Last evaluated: 2019-04-03. Review status: no assertion criteria provided. Collection method: clinical testing. Allele origin: germline.
Comment: This variant is classified as likely benign based on ACMG/AMP sequence variant interpretation guidelines (Richards et al. 2015 PMID: 25741868, with internal and published modifications).

NM_024496.4(IRF2BPL):c.1500G>C (p.Leu500=)

Gene: IRF2BPL (interferon regulatory factor 2 binding protein like; minus strand). Cytogenetic location: 14q24.3.
Variant type: single nucleotide variant.
Coding change: c.1500G>C on transcript NM_024496.4 (MANE Select); coding-DNA position 1500, G replaced by C.
Protein change: p.Leu500=; no amino-acid change (leucine 500 retained).
Molecular consequence: synonymous variant.
Genome position (GRCh38, 1-based): chr14:77,026,293, C>G on the plus strand (G>C on the coding strand, the complement: IRF2BPL is on the minus strand). VCF-style: chr14-77026293-C-G. GRCh37 (hg19) VCF-style: chr14-77492636-C-G.
Identifiers: ClinVar variation 3057877 (VCV003057877.2), dbSNP rs777604340, ClinGen allele CA7283656.
Genomic context (GRCh38, chr14:77,026,293, plus strand): 5'-TGCGCTGGGGGCGCGGCTCAGACTCACCAGAGCAGTGGGCAGCATGGGACAGCTGGCGTC[C>G]AGGTAGGGCTGGGGCAGCATGTCGGCGCCGGGCACGCCCTCCTTGAAGAAGCGCACGGCT-3'
Protein context (NP_078772.1, residues 490-510): PGADMLPQPY[Leu500=]DASCPMLPTA